The following is an entry in ClinVar:

NM_001253697.2(ERBIN):c.1897A>C (p.Lys633Gln)

Gene: ERBIN (erbb2 interacting protein; plus strand). Cytogenetic location: 5q12.3.
Variant type: single nucleotide variant.
Coding change: c.1897A>C on transcript NM_001253697.2 (MANE Select); coding-DNA position 1897, A replaced by C.
Protein change: p.Lys633Gln; replaces lysine 633 with glutamine.
Molecular consequence: missense variant.
Genome position (GRCh38, 1-based): chr5:66,048,775, A>C. VCF-style: chr5-66048775-A-C. GRCh37 (hg19) VCF-style: chr5-65344603-A-C.
Other names: c.1897A>C, p.Lys633Gln (NM_001006600.3, NM_001253698.2, NM_001253699.2 and 1 more transcripts); c.1885A>C, p.Lys629Gln (NM_001253701.2); short protein forms K629Q, K633Q.
Identifiers: ClinVar variation 1519298 (VCV001519298.8), dbSNP rs774739126, ClinGen allele CA3286371.
Genomic context (GRCh38, chr5:66,048,775, plus strand): 5'-CGACCACCATTAATTGAAACCTCTATTAACCAGCCAAAAGTCGTAGCACTTAGTAATAAC[A>C]AAAAAGGTTAGATGTTAAAGGAAAGTGCTAAGAATAGAAATTGCCTCAATAAATTTATAA-3'
Protein context (NP_001240626.1, residues 623-643): QPKVVALSNN[Lys633Gln]KDDTKETDSL

ClinVar aggregate classification (germline): Uncertain significance (1 of 4 stars; one submission).

Allele frequency attached by ClinVar (database versions not stated): gnomAD 0.00002; TOPMed 0.00004; gnomAD exomes 0.00008; ExAC 0.00013.
gnomAD v4.1: 40 of 1,576,938 alleles (0.0025%); highest among the groups gnomAD compares: Non-Finnish European, 0.003%; no homozygotes.

Submission:

Labcorp Genetics (formerly Invitae), Labcorp
Classification: Uncertain significance. Last evaluated: 2026-01-27. Review status: criteria provided, single submitter. Criteria: Invitae Variant Classification Sherloc (09022015). Collection method: clinical testing. Allele origin: germline.
Comment: This sequence change replaces lysine, which is basic and polar, with glutamine, which is neutral and polar, at codon 633 of the ERBIN protein (p.Lys633Gln). This variant is present in population databases (rs774739126, gnomAD 0.02%). This variant has not been reported in the literature in individuals affected with ERBIN-related conditions. ClinVar contains an entry for this variant (Variation ID: 1519298). An algorithm developed to predict the effect of missense changes on protein structure and function (PolyPhen-2) suggests that this variant is likely to be disruptive. In summary, the available evidence is currently insufficient to determine the role of this variant in disease. Therefore, it has been classified as a Variant of Uncertain Significance.